The following is an entry in ClinVar:

ClinVar aggregate classification (germline): Uncertain significance (1 of 4 stars; one submission).

Submission:

CeGaT Center for Human Genetics Tuebingen
Classification: Uncertain significance. Last evaluated: 2026-05-01. Review status: criteria provided, single submitter. Criteria: CeGaT Center For Human Genetics Tuebingen Variant Classification Criteria Version 2. Collection method: clinical testing. Allele origin: germline. Affected: yes. Observed: 1 variant allele.
Comment: DCC: PM2, BP4

NM_005215.4(DCC):c.3317T>G (p.Val1106Gly)

Gene: DCC (DCC netrin 1 receptor; plus strand). Cytogenetic location: 18q21.2.
Variant type: single nucleotide variant.
Coding change: c.3317T>G on transcript NM_005215.4 (MANE Select); coding-DNA position 3317, T replaced by G.
Protein change: p.Val1106Gly; replaces valine 1106 with glycine.
Molecular consequence: missense variant.
Genome position (GRCh38, 1-based): chr18:53,450,587, T>G. VCF-style: chr18-53450587-T-G. GRCh37 (hg19) VCF-style: chr18-50976957-T-G.
Other names: short protein forms V1106G.
Identifiers: ClinVar variation 4873982 (VCV004873982.2).